The following is an entry in ClinVar:

NM_005026.5(PIK3CD):c.953C>T (p.Ser318Phe)

Gene: PIK3CD (phosphatidylinositol-4,5-bisphosphate 3-kinase catalytic subunit delta; plus strand). Cytogenetic location: 1p36.22.
Variant type: single nucleotide variant.
Coding change: c.953C>T on transcript NM_005026.5 (MANE Select); coding-DNA position 953, C replaced by T.
Protein change: p.Ser318Phe; replaces serine 318 with phenylalanine.
Molecular consequence: missense variant.
Genome position (GRCh38, 1-based): chr1:9,717,559, C>T. VCF-style: chr1-9717559-C-T. GRCh37 (hg19) VCF-style: chr1-9777617-C-T.
Other names: c.953C>T, p.Ser318Phe (NM_001350234.2); c.866C>T, p.Ser289Phe (NM_001350235.1); short protein forms S318F, S289F.
Identifiers: ClinVar variation 2041788 (VCV002041788.4), dbSNP rs1647704704, ClinGen allele CA338301769.

ClinVar aggregate classification (germline): Uncertain significance (1 of 4 stars; one submission).

Conditions:
Immunodeficiency 14 (IMD14A). Also called: Activated PI3K Delta Syndrome Type 1 (APDS1); p110-DELTA-ACTIVATING MUTATION CAUSING SENESCENT T CELLS, LYMPHADENOPATHY, AND IMMUNODEFICIENCY; IMMUNODEFICIENCY 14A WITH LYMPHOPROLIFERATION, AUTOSOMAL DOMINANT; ACTIVATED PI3K-DELTA SYNDROME 1. Identifiers: Orphanet 397596, Orphanet 693661, MedGen C5907821, MONDO:0014222, OMIM 615513.

Allele frequency attached by ClinVar (database versions not stated): gnomAD exomes below 0.00001.
gnomAD v4.1: 4 of 1,614,062 alleles (0.00025%); highest among the groups gnomAD compares: African/African-American, 0.004%; no homozygotes.

Submission:

Labcorp Genetics (formerly Invitae), Labcorp
Classification: Uncertain significance for Activated PI3K-delta syndrome. Last evaluated: 2022-06-02. Review status: criteria provided, single submitter. Criteria: Invitae Variant Classification Sherloc (09022015). Collection method: clinical testing. Allele origin: germline.
Comment: In summary, the available evidence is currently insufficient to determine the role of this variant in disease. Therefore, it has been classified as a Variant of Uncertain Significance. Algorithms developed to predict the effect of missense changes on protein structure and function output the following: SIFT: "Deleterious"; PolyPhen-2: "Benign"; Align-GVGD: "Class C15". The phenylalanine amino acid residue is found in multiple mammalian species, which suggests that this missense change does not adversely affect protein function. This variant has not been reported in the literature in individuals affected with PIK3CD-related conditions. This variant is not present in population databases (gnomAD no frequency). This sequence change replaces serine, which is neutral and polar, with phenylalanine, which is neutral and non-polar, at codon 318 of the PIK3CD protein (p.Ser318Phe).